The following is an entry in ClinVar:

ClinVar aggregate classification (germline): Pathogenic (1 of 4 stars; one submission).

Conditions:
BAP1-related tumor predisposition syndrome (TPDS1). Also called: BAP1 tumor predisposition syndrome; Tumor susceptibility linked to germline BAP1 mutations; COMMON Syndrome; TUMOR PREDISPOSITION SYNDROME 1. Identifiers: Orphanet 289539, MedGen C3280492, MONDO:0013692, OMIM 614327.

Submission:

Myriad Genetics, Inc.
Classification: Pathogenic for BAP1-related tumor predisposition syndrome. Last evaluated: 2023-01-17. Review status: criteria provided, single submitter. Criteria: Myriad Autosomal Dominant, Autosomal Recessive and X-Linked Classification Criteria (2023). Collection method: clinical testing. Allele origin: unknown.
Comment: This variant is considered pathogenic. This variant creates a frameshift predicted to result in premature protein truncation.

NM_004656.4(BAP1):c.1833_1834dup (p.Lys612fs)

Gene: BAP1 (BRCA1 associated deubiquitinase 1; minus strand). Cytogenetic location: 3p21.1.
Variant type: Microsatellite.
Coding change: c.1833_1834dup on transcript NM_004656.4 (MANE Select); coding-DNA positions 1833 to 1834, 2 bases duplicated (GA; older notation c.1833_1834dupGA).
Protein change: p.Lys612fs; shifts the reading frame from lysine 612.
Molecular consequence: frameshift variant.
Genome position (GRCh38, 1-based): chr3:52,403,194-52,403,195, TC duplicated on the plus strand (GA on the coding strand, the reverse complement: BAP1 is on the minus strand); duplicating any 2 consecutive bases within chr3:52,403,194-52,403,200 gives the same sequence; the c. name uses the placement nearest the transcript's 3' end. VCF-style (leftmost placement, unchanged base first): chr3-52403193-T-TTC. GRCh37 (hg19) VCF-style: chr3-52437209-T-TTC.
Other names: c.1774_1775AG[4], p.Lys594Argfs (NM_001410772.1); short protein forms K612fs.
Identifiers: ClinVar variation 2431334 (VCV002431334.1), dbSNP rs1705022971, ClinGen allele CA2580616480.